The following is an entry in ClinVar:

NM_005535.3(IL12RB1):c.8C>A (p.Pro3Gln)

Gene: IL12RB1 (interleukin 12 receptor subunit beta 1; minus strand). Cytogenetic location: 19p13.11.
Variant type: single nucleotide variant.
Coding change: c.8C>A on transcript NM_005535.3 (MANE Select); coding-DNA position 8, C replaced by A.
Protein change: p.Pro3Gln; replaces proline 3 with glutamine.
Molecular consequence: missense variant.
Genome position (GRCh38, 1-based): chr19:18,086,816, G>T on the plus strand (C>A on the coding strand, the complement: IL12RB1 is on the minus strand). VCF-style: chr19-18086816-G-T. GRCh37 (hg19) VCF-style: chr19-18197626-G-T.
Other names: c.8C>A, p.Pro3Gln (NM_001290023.2, NM_153701.3); c.128C>A, p.Pro43Gln (NM_001290024.2); short protein forms P3Q, P43Q.
Identifiers: ClinVar variation 1446632 (VCV001446632.6), dbSNP rs17884651, ClinGen allele CA306141563.

ClinVar aggregate classification (germline): Uncertain significance (1 of 4 stars; one submission).

Conditions:
Mendelian susceptibility to mycobacterial diseases due to complete IL12RB1 deficiency. Also called: IL12RB1 DEFICIENCY; Immunodeficiency 30. Identifiers: Orphanet 319552, MedGen C4013949, MONDO:0013955, OMIM 614891.

gnomAD v4.1: 26 of 1,610,806 alleles (0.0016%); highest among the groups gnomAD compares: African/African-American, 0.032%; no homozygotes.

Submission:

Labcorp Genetics (formerly Invitae), Labcorp
Classification: Uncertain significance for Mendelian susceptibility to mycobacterial diseases due to complete IL12RB1 deficiency. Last evaluated: 2025-03-13. Review status: criteria provided, single submitter. Criteria: Invitae Variant Classification Sherloc (09022015). Collection method: clinical testing. Allele origin: germline.
Comment: This sequence change replaces proline, which is neutral and non-polar, with glutamine, which is neutral and polar, at codon 3 of the IL12RB1 protein (p.Pro3Gln). The frequency data for this variant in the population databases is considered unreliable, as metrics indicate poor data quality at this position in the gnomAD database. This variant has not been reported in the literature in individuals affected with IL12RB1-related conditions. ClinVar contains an entry for this variant (Variation ID: 1446632). An algorithm developed to predict the effect of missense changes on protein structure and function outputs the following: PolyPhen-2: "Probably Damaging". The glutamine amino acid residue is found in multiple mammalian species, which suggests that this missense change does not adversely affect protein function. In summary, the available evidence is currently insufficient to determine the role of this variant in disease. Therefore, it has been classified as a Variant of Uncertain Significance.